The following is an entry in ClinVar:

NM_000038.6(APC):c.1575_1588del (p.Met526fs)

Gene: APC (APC regulator of Wnt signaling pathway; plus strand). Cytogenetic location: 5q22.2.
Variant type: Deletion.
Coding change: c.1575_1588del on transcript NM_000038.6 (MANE Select); coding-DNA positions 1575 to 1588, 14 bases deleted (CATGAGAGCACTTG).
Protein change: p.Met526fs; shifts the reading frame from methionine 526.
Molecular consequence: frameshift variant.
Genome position (GRCh38, 1-based): chr5:112,827,955-112,827,968, CATGAGAGCACTTG deleted; deleting any 14 consecutive bases within chr5:112,827,953-112,827,968 gives the same sequence; the c. name uses the placement nearest the transcript's 3' end. VCF-style (leftmost placement, unchanged base first): chr5-112827952-CTGCATGAGAGCACT-C. GRCh37 (hg19) VCF-style: chr5-112163649-CTGCATGAGAGCACT-C.
Other names: c.1575_1588del, p.Met526fs (NM_001127510.3, NM_001354895.2, NM_001407450.1); c.1521_1534del, p.Met508fs (NM_001127511.3); c.1629_1642del, p.Met544fs (NM_001354896.2, NM_001407447.1, NM_001407448.1 and 1 more transcripts); c.1605_1618del, p.Met536fs (NM_001354897.2); c.1500_1513del, p.Met501fs (NM_001354898.2); c.1491_1504del, p.Met498fs (NM_001354899.2); c.1452_1465del, p.Met485fs (NM_001354900.2); c.1398_1411del, p.Met467fs (NM_001354901.2, NM_001407453.1); and 11 more; short protein forms M142fs, M243fs, M366fs, M397fs, M400fs, M425fs, M435fs, M443fs.
Identifiers: ClinVar variation 2583546 (VCV002583546.2), dbSNP rs2533219451, ClinGen allele CA2582341362.
Genomic context (GRCh38, chr5:112,827,952, plus strand): 5'-CTTTTTAATGATCCTCTATTCTGTATTTAATTTACAGGCTACGCTATGCTCTATGAAAGG[CTGCATGAGAGCACT>C]TGTGGCCCAACTAAAATCTGAAAGTGAAGACTTACAGCAGGTACTATTTAGAATTTCACC-3'

ClinVar aggregate classification (germline): Pathogenic (1 of 4 stars; one submission).

Conditions:
Familial adenomatous polyposis 1 (FAP1). Also called: POLYPOSIS, ADENOMATOUS INTESTINAL; FAMILIAL ADENOMATOUS POLYPOSIS 1, ATTENUATED. Identifiers: MedGen C2713442, MONDO:0021056, OMIM 175100. Disease mechanism: loss of function.

Submission:

Myriad Genetics, Inc.
Classification: Pathogenic for Familial adenomatous polyposis 1. Last evaluated: 2023-05-02. Review status: criteria provided, single submitter. Criteria: Myriad Autosomal Dominant, Autosomal Recessive and X-Linked Classification Criteria (2023). Collection method: clinical testing. Allele origin: unknown.
Comment: This variant is considered pathogenic. This variant creates a frameshift predicted to result in premature protein truncation.